The following is an entry in ClinVar:

ClinVar aggregate classification (germline): Uncertain significance (1 of 4 stars; one submission).

Conditions:
Mucopolysaccharidosis, MPS-III-B (MPS3B). Also called: N-ACETYL-ALPHA-D-GLUCOSAMINIDASE DEFICIENCY; NAGLU DEFICIENCY; SANFILIPPO SYNDROME B; MPS III B; Mucopolysaccharidosis type IIIB (Sanfilippo B); MPS IIIB (Sanfilippo Syndrome Type B). Identifiers: Orphanet 79270, MedGen C0086648, MONDO:0009656, OMIM 252920.
Charcot-Marie-Tooth disease axonal type 2V. Also called: CHARCOT-MARIE-TOOTH NEUROPATHY, TYPE 2V; CHARCOT-MARIE-TOOTH DISEASE, AXONAL, AUTOSOMAL DOMINANT, TYPE 2V. Identifiers: Orphanet 447964, MedGen C5569050, MONDO:0014665, OMIM 616491.

Allele frequency attached by ClinVar (database versions not stated): gnomAD exomes below 0.00001.
gnomAD v4.1: 2 of 1,614,064 alleles (0.00012%); highest among the groups gnomAD compares: Non-Finnish European, 0.00017%; no homozygotes.

Submission:

Labcorp Genetics (formerly Invitae), Labcorp
Classification: Uncertain significance for Charcot-Marie-Tooth disease axonal type 2V; Mucopolysaccharidosis, MPS-III-B. Last evaluated: 2022-03-23. Review status: criteria provided, single submitter. Criteria: Invitae Variant Classification Sherloc (09022015). Collection method: clinical testing. Allele origin: germline.
Comment: This sequence change replaces aspartic acid, which is acidic and polar, with valine, which is neutral and non-polar, at codon 285 of the NAGLU protein (p.Asp285Val). This variant is present in population databases (no rsID available, gnomAD 0.0009%). This variant has not been reported in the literature in individuals affected with NAGLU-related conditions. Advanced modeling of protein sequence and biophysical properties (such as structural, functional, and spatial information, amino acid conservation, physicochemical variation, residue mobility, and thermodynamic stability) performed at Invitae indicates that this missense variant is expected to disrupt NAGLU protein function. In summary, the available evidence is currently insufficient to determine the role of this variant in disease. Therefore, it has been classified as a Variant of Uncertain Significance.

NM_000263.4(NAGLU):c.854A>T (p.Asp285Val)

Gene: NAGLU (N-acetyl-alpha-glucosaminidase; plus strand). Cytogenetic location: 17q21.2.
Variant type: single nucleotide variant.
Coding change: c.854A>T on transcript NM_000263.4 (MANE Select); coding-DNA position 854, A replaced by T.
Protein change: p.Asp285Val; replaces aspartic acid 285 with valine.
Molecular consequence: missense variant.
Genome position (GRCh38, 1-based): chr17:42,541,039, A>T. VCF-style: chr17-42541039-A-T. GRCh37 (hg19) VCF-style: chr17-40693057-A-T.
Other names: short protein forms D285V.
Identifiers: ClinVar variation 2047950 (VCV002047950.1), dbSNP rs1438953428, ClinGen allele CA399600038.
Genomic context (GRCh38, chr17:42,541,039, plus strand): 5'-TGGGCAGTTGGGGCCACTTTAACTGTTCCTACTCCTGCTCCTTCCTTCTGGCTCCGGAAG[A>T]CCCCATATTCCCCATCATCGGGAGCCTCTTCCTGCGAGAGCTGATCAAAGAGTTTGGCAC-3'
Protein context (NP_000254.2, residues 275-295): YSCSFLLAPE[Asp285Val]PIFPIIGSLF